The following is an entry in ClinVar:

NM_016592.5(GNAS):c.477_514del (p.Thr160fs)

Genes: GNAS (GNAS complex locus; plus strand), GNAS-AS1 (GNAS antisense RNA 1; minus strand). Cytogenetic location: 20q13.32.
Variant type: Deletion.
Coding change: c.477_514del on transcript NM_016592.5 (MANE Plus Clinical); coding-DNA positions 477 to 514, 38 bases deleted.
Protein change: p.Thr160fs; shifts the reading frame from threonine 160.
Molecular consequence: frameshift variant. On other transcripts: 5 prime UTR variant (1).
Genome position (GRCh38, 1-based): chr20:58,840,583-58,840,620, 38 bases deleted. GRCh37 (hg19): chr20:57,415,638-57,415,675.
Other names: c.-261_-224del (NM_001410912.1); short protein forms T160fs.
Identifiers: ClinVar variation 282603 (VCV000282603.8), dbSNP rs886042434, ClinGen allele CA10604234.
Genomic context (GRCh38, chr20:58,840,582, plus strand): 5'-CCGAGCCTGAAGACGATCGCGGCCCGGTGGTGCCCAAGCACTCCACCTTCGGCCAGTCCC[TCACCCAGCGTCTGCACGCTCTCAAGTTGCGAAGCCCCG>T]ACGCCTCCCCAAGTCGCGCGCCGCCCAGCACTCAGGAGCCCCAGAGCCCCAGGGAAGGGG-3'

ClinVar aggregate classification (germline): Uncertain significance. Review status: criteria provided, multiple submitters, no conflicts (2 of 4 stars). 2 submissions from 2 submitters: Uncertain significance (2). Last evaluated 2025-01-02.

Conditions:
GNAS-related disorder. Identifiers: MedGen CN380105.

Allele frequency attached by ClinVar (database versions not stated): gnomAD exomes below 0.00001 and 0.00001; gnomAD 0.00001; TOPMed below 0.00001.

Submissions (2):

PreventionGenetics, part of Exact Sciences
Classification: Uncertain significance for GNAS-related condition. Last evaluated: 2025-01-02. Review status: criteria provided, single submitter. Criteria: ACMG Guidelines, 2015. Collection method: clinical testing. Allele origin: germline.
Comment: The GNAS c.477_514del38 variant is predicted to result in a frameshift and premature protein termination (p.Thr160Argfs*56). This variant occurs in the pre-coding region of the primary GNAS transcript (NM_000516: c.-51144_-51107del38). To our knowledge, this variant has not been reported in the literature. This variant is reported in 0.00089% of alleles in individuals of European (Non-Finnish) descent in gnomAD. At this time, the clinical significance of this variant is uncertain due to the absence of conclusive functional and genetic evidence.

Eurofins Ntd Llc (ga)
Classification: Uncertain significance. Last evaluated: 2015-08-27. Review status: criteria provided, single submitter. Criteria: EGL Classification Definitions 2015. Collection method: clinical testing. Allele origin: germline. Observed: 1 variant allele.